The following is an entry in ClinVar:

ClinVar aggregate classification (germline): Uncertain significance. Review status: criteria provided, multiple submitters, no conflicts (2 of 4 stars). 2 submissions from 2 submitters: Uncertain significance (2). Last evaluated 2025-06-10.

Conditions:
Inborn genetic diseases. Identifiers: MedGen C0950123, MeSH D030342.
Spastic paraplegia. Identifiers: MedGen C0037772, HP:0001258.

gnomAD v4.1: 19 of 1,614,032 alleles (0.0012%); highest among the groups gnomAD compares: Middle Eastern, 0.016%; no homozygotes.

Submissions (2):

Ambry Genetics
Classification: Uncertain significance for Inborn genetic diseases. Last evaluated: 2025-06-10. Review status: criteria provided, single submitter. Criteria: Ambry Variant Classification Scheme 2023. Collection method: clinical testing. Allele origin: germline.

Labcorp Genetics (formerly Invitae), Labcorp
Classification: Uncertain significance for Spastic paraplegia. Last evaluated: 2024-05-20. Review status: criteria provided, single submitter. Criteria: Invitae Variant Classification Sherloc (09022015). Collection method: clinical testing. Allele origin: germline.
Comment: This sequence change replaces isoleucine, which is neutral and non-polar, with threonine, which is neutral and polar, at codon 349 of the HSPD1 protein (p.Ile349Thr). This variant is present in population databases (rs763507243, gnomAD 0.01%). This variant has not been reported in the literature in individuals affected with HSPD1-related conditions. Advanced modeling of protein sequence and biophysical properties (such as structural, functional, and spatial information, amino acid conservation, physicochemical variation, residue mobility, and thermodynamic stability) performed at Invitae indicates that this missense variant is not expected to disrupt HSPD1 protein function with a negative predictive value of 80%. In summary, the available evidence is currently insufficient to determine the role of this variant in disease. Therefore, it has been classified as a Variant of Uncertain Significance.

NM_002156.5(HSPD1):c.1046T>C (p.Ile349Thr)

Gene: HSPD1 (heat shock protein family D (Hsp60) member 1; minus strand). Cytogenetic location: 2q33.1.
Variant type: single nucleotide variant.
Coding change: c.1046T>C on transcript NM_002156.5 (MANE Select); coding-DNA position 1046, T replaced by C.
Protein change: p.Ile349Thr; replaces isoleucine 349 with threonine.
Molecular consequence: missense variant.
Genome position (GRCh38, 1-based): chr2:197,489,171, A>G on the plus strand (T>C on the coding strand, the complement: HSPD1 is on the minus strand). VCF-style: chr2-197489171-A-G. GRCh37 (hg19) VCF-style: chr2-198353895-A-G.
Other names: c.1046T>C (NM_002156.4); c.1046T>C, p.Ile349Thr (NM_199440.2); short protein forms I349T.
Identifiers: ClinVar variation 3626694 (VCV003626694.3).